The following is an entry in ClinVar:

NM_006939.4(SOS2):c.1015C>T (p.Arg339Cys)

Gene: SOS2 (SOS Ras/Rho guanine nucleotide exchange factor 2; minus strand). Cytogenetic location: 14q21.3.
Variant type: single nucleotide variant.
Coding change: c.1015C>T on transcript NM_006939.4 (MANE Select); coding-DNA position 1015, C replaced by T.
Protein change: p.Arg339Cys; replaces arginine 339 with cysteine.
Molecular consequence: missense variant. On other transcripts: intron variant (1).
Genome position (GRCh38, 1-based): chr14:50,174,507, G>A on the plus strand (C>T on the coding strand, the complement: SOS2 is on the minus strand). VCF-style: chr14-50174507-G-A. GRCh37 (hg19) VCF-style: chr14-50641225-G-A.
Other names: c.969+6065C>T (NM_001411020.1); short protein forms R339C.
Identifiers: ClinVar variation 1991115 (VCV001991115.4), dbSNP rs763698634, ClinGen allele CA7177366.
Genomic context (GRCh38, chr14:50,174,507, plus strand): 5'-ACCTTACCTTTAGTAACTCAAAGTAGTGCCAACAGTGATACACTGGCACCAGCATAAGAC[G>A]TGGAAGGACATAACGAACTGCCTCTTTAAAACCATCAGCAATGGACTGCAAAGCAAAAAG-3'
Protein context (NP_008870.2, residues 329-349): FKEAVRYVLP[Arg339Cys]LMLVPVYHCW

ClinVar aggregate classification (germline): Uncertain significance (1 of 4 stars; one submission).

Conditions:
Noonan syndrome 9 (NS9). Identifiers: Orphanet 648, MedGen C4225282, MONDO:0014691, OMIM 616559.

Allele frequency attached by ClinVar (database versions not stated): ExAC 0.00002; gnomAD exomes 0.00002.
gnomAD v4.1: 31 of 1,610,682 alleles (0.0019%); highest among the groups gnomAD compares: Non-Finnish European, 0.0024%; no homozygotes.

Submission:

Labcorp Genetics (formerly Invitae), Labcorp
Classification: Uncertain significance for Noonan syndrome 9. Last evaluated: 2025-12-09. Review status: criteria provided, single submitter. Criteria: Invitae Variant Classification Sherloc (09022015). Collection method: clinical testing. Allele origin: germline.
Comment: This sequence change replaces arginine, which is basic and polar, with cysteine, which is neutral and slightly polar, at codon 339 of the SOS2 protein (p.Arg339Cys). This variant is present in population databases (rs763698634, gnomAD 0.002%). This variant has not been reported in the literature in individuals affected with SOS2-related conditions. ClinVar contains an entry for this variant (Variation ID: 1991115). Invitae Evidence Modeling of protein sequence and biophysical properties (such as structural, functional, and spatial information, amino acid conservation, physicochemical variation, residue mobility, and thermodynamic stability) indicates that this missense variant is not expected to disrupt SOS2 protein function with a negative predictive value of 95%. In summary, the available evidence is currently insufficient to determine the role of this variant in disease. Therefore, it has been classified as a Variant of Uncertain Significance.